The following is an entry in ClinVar:

ClinVar aggregate classification (germline): Likely pathogenic (1 of 4 stars; one submission).

Allele frequency attached by ClinVar (database versions not stated): gnomAD exomes below 0.00001.
gnomAD v4.1: 1 of 1,613,880 alleles (0.000062%); highest among the groups gnomAD compares: Non-Finnish European, 0.000085%; no homozygotes.

Submission:

Genetic Services Laboratory, University of Chicago
Classification: Likely pathogenic. Last evaluated: 2017-09-14. Review status: criteria provided, single submitter. Criteria: ACMG Guidelines, 2015. Collection method: clinical testing. Allele origin: germline. Affected: yes.
Comment: : DNA sequence analysis of the SAMD9 gene demonstrated a sequence change, c.1853T>C, in exon 3 that results in an amino acid change, p.Ile618Thr. This sequence change does not appear to have been previously described in patients with SAMD9-related disorders and has also not been described as a known benign sequence change in the SAMD9 gene. The p.Ile618Thr change affects a moderately conserved amino acid residue located in a domain of the SAMD9 protein that is not known to be functional. This sequence change also occurs in a region of the SAMD9 gene where other missense sequence changes have been described in patients with MIRAGE syndrome (Narumi S, et al. 2016). In-silico pathogenicity prediction tools (SIFT, PolyPhen2, Align GVGD, REVEL) provide contradictory results for the p.Ile618Thr substitution. Targeted sequence analysis demonstrated that this sequence change is de novo, supporting its disease-causing nature. Pathogenic variants in the SAMD9 gene have been described in patients with MIRAGE syndrome, a multisystem disorder including myelodysplasia, infection, restriction of growth, adrenal hypoplasia, genital phenotypes, and enteropathy. Patients carrying a SAMD9 pathogenic variant can develop MDS that was accompanied by loss of the chromosome 7 (Narumi S, et al. 2016; Schwartz JR, et al. 2017). Biallelic mutations in SAMD9 are associated with normophosphatemic familial tumoral calcinosis [OMIM#610455].

NM_017654.4(SAMD9):c.1853T>C (p.Ile618Thr)

Gene: SAMD9 (sterile alpha motif domain containing 9; minus strand). Cytogenetic location: 7q21.2.
Variant type: single nucleotide variant.
Coding change: c.1853T>C on transcript NM_017654.4 (MANE Select); coding-DNA position 1853, T replaced by C.
Protein change: p.Ile618Thr; replaces isoleucine 618 with threonine.
Molecular consequence: missense variant.
Genome position (GRCh38, 1-based): chr7:93,104,245, A>G on the plus strand (T>C on the coding strand, the complement: SAMD9 is on the minus strand). VCF-style: chr7-93104245-A-G. GRCh37 (hg19) VCF-style: chr7-92733558-A-G.
Other names: c.1853T>C, p.Ile618Thr (NM_001193307.2); short protein forms I618T.
Identifiers: ClinVar variation 1338259 (VCV001338259.4), dbSNP rs2116418899, ClinGen allele CA368194378.
Genomic context (GRCh38, chr7:93,104,245, plus strand): 5'-GATAAACCAATAGATGGCAAAAGCCTTTTTGAAGATTGAGTCACAGATTTTAGTTTAAGA[A>G]TAGTGCCATTGATCTCTTCAAGGCTTAAAGCAGAAATACATTGGCTTGAAATTTCATCTT-3'
Protein context (NP_060124.2, residues 608-628): ALSLEEINGT[Ile618Thr]LKLKSVTQSS